The following is an entry in ClinVar:

ClinVar aggregate classification (germline): Likely benign (0 of 4 stars; one submission).

Conditions:
CA4-related disorder. Also called: CA4-related condition.

Submission:

PreventionGenetics, part of Exact Sciences
Classification: Likely benign for CA4-related condition. Last evaluated: 2019-09-18. Review status: no assertion criteria provided. Collection method: clinical testing. Allele origin: germline.
Comment: This variant is classified as likely benign based on ACMG/AMP sequence variant interpretation guidelines (Richards et al. 2015 PMID: 25741868, with internal and published modifications).

NM_000717.5(CA4):c.333C>A (p.Ala111=)

Gene: CA4 (carbonic anhydrase 4; plus strand). Cytogenetic location: 17q23.1.
Variant type: single nucleotide variant.
Coding change: c.333C>A on transcript NM_000717.5 (MANE Select); coding-DNA position 333, C replaced by A.
Protein change: p.Ala111=; no amino-acid change (alanine 111 retained).
Molecular consequence: synonymous variant. On other transcripts: non-coding transcript variant (1).
Genome position (GRCh38, 1-based): chr17:60,157,491, C>A. VCF-style: chr17-60157491-C-A. GRCh37 (hg19) VCF-style: chr17-58234852-C-A.
Identifiers: ClinVar variation 3354723 (VCV003354723.1).
Genomic context (GRCh38, chr17:60,157,491, plus strand): 5'-GATGTTGCTGGAGAACAAGGCCAGCATTTCTGGAGGAGGACTGCCTGCCCCATACCAGGC[C>A]AAACAGTTGCACCTGCACTGGTCCGACTTGCCATATAAGGGCTCGGAGCACAGCCTCGAT-3'
Protein context (NP_000708.1, residues 101-121): SGGGLPAPYQ[Ala111=]KQLHLHWSDL